The following is an entry in ClinVar:

NM_000435.3(NOTCH3):c.2764_2784del (p.Glu922_Cys928del)

Gene: NOTCH3 (notch receptor 3; minus strand). Cytogenetic location: 19p13.12.
Variant type: Deletion.
Coding change: c.2764_2784del on transcript NM_000435.3 (MANE Select); coding-DNA positions 2764 to 2784, 21 bases deleted (GAACAGGACCTGCCCGACTGC).
Protein change: p.Glu922_Cys928del.
Genome position (GRCh38, 1-based): chr19:15,181,584-15,181,604, GCAGTCGGGCAGGTCCTGTTC deleted on the plus strand (GAACAGGACCTGCCCGACTGC on the coding strand, the reverse complement: NOTCH3 is on the minus strand); deleting any 21 consecutive bases within chr19:15,181,584-15,181,609 gives the same sequence; the c. name uses the placement nearest the transcript's 3' end. VCF-style (leftmost placement, unchanged base first): chr19-15181583-TGCAGTCGGGCAGGTCCTGTTC-T. GRCh37 (hg19) VCF-style: chr19-15292394-TGCAGTCGGGCAGGTCCTGTTC-T.
Identifiers: ClinVar variation 4538733 (VCV004538733.1).
Genomic context (GRCh38, chr19:15,181,583, plus strand): 5'-CAGGCCCCATCCCAAGCCAGAGTCCCTGCTCTCCAAGCAGAGGCCCCGCCCACCTGGGGC[TGCAGTCGGGCAGGTCCTGTTC>T]GCAGTGGAAGCCTCCGTAGCCTGGCGGGCAGGTGCAGGTGAAGGAGGCCACGTGGTCGGT-3'

ClinVar aggregate classification (germline): Uncertain significance (1 of 4 stars; one submission).

Submission:

GeneDx
Classification: Uncertain significance. Last evaluated: 2025-06-18. Review status: criteria provided, single submitter. Criteria: GeneDx Variant Classification Process June 2021. Collection method: clinical testing. Allele origin: germline. Affected: yes.
Comment: In-frame deletion of 7 amino acid(s) in a non-repeat region; Not observed at significant frequency in large population cohorts (gnomAD); In silico analysis supports a deleterious effect on protein structure/function; Has not been previously published as pathogenic or benign to our knowledge